The following is an entry in ClinVar:

ClinVar aggregate classification (germline): Uncertain significance (1 of 4 stars; one submission).

Conditions:
Hereditary cancer-predisposing syndrome. Also called: Neoplastic Syndromes, Hereditary; Tumor predisposition; Hereditary Cancer Syndrome; Hereditary neoplastic syndrome. Identifiers: Orphanet 140162, MedGen C0027672, MeSH D009386, MONDO:0015356.

Submission:

Ambry Genetics
Classification: Uncertain significance for Hereditary cancer-predisposing syndrome. Last evaluated: 2022-07-02. Review status: criteria provided, single submitter. Criteria: Ambry Variant Classification Scheme 2023. Collection method: clinical testing. Allele origin: germline.
Comment: The p.G286E variant (also known as c.857G>A), located in coding exon 8 of the PRKAR1A gene, results from a G to A substitution at nucleotide position 857. The glycine at codon 286 is replaced by glutamic acid, an amino acid with similar properties. This amino acid position is conserved. In addition, this alteration is predicted to be deleterious by in silico analysis. Since supporting evidence is limited at this time, the clinical significance of this alteration remains unclear.

NM_002734.5(PRKAR1A):c.857G>A (p.Gly286Glu)

Gene: PRKAR1A (protein kinase cAMP-dependent type I regulatory subunit alpha; plus strand). Cytogenetic location: 17q24.2.
Variant type: single nucleotide variant.
Coding change: c.857G>A on transcript NM_002734.5 (MANE Select); coding-DNA position 857, G replaced by A.
Protein change: p.Gly286Glu; replaces glycine 286 with glutamic acid.
Molecular consequence: missense variant.
Genome position (GRCh38, 1-based): chr17:68,528,957, G>A. VCF-style: chr17-68528957-G-A. GRCh37 (hg19) VCF-style: chr17-66525098-G-A.
Other names: c.857G>A, p.Gly286Glu (NM_001276289.2, NM_001276290.1, NM_001278433.2 and 4 more transcripts); short protein forms G286E.
Identifiers: ClinVar variation 1763913 (VCV001763913.2), dbSNP rs2509437978, ClinGen allele CA400753978.